The following is an entry in ClinVar:

ClinVar aggregate classification (germline): Benign. Review status: criteria provided, multiple submitters, no conflicts (2 of 4 stars). 2 submissions from 2 submitters: Benign (2). Last evaluated 2018-01-13.

Conditions:
Immunodeficiency 104. Also called: Severe Combined Immune Deficiency, Autosomal Recessive, TCell -Negative, B Cell-Positive, NK Cell-Positive, IL7R-Related; Severe combined immunodeficiency, autosomal recessive, T cell-negative, B cell-positive, NK cell-positive; IMMUNODEFICIENCY 104, SEVERE COMBINED; SCID, AUTOSOMAL RECESSIVE, T CELL-NEGATIVE, B CELL-POSITIVE, NK CELL-POSITIVE. Identifiers: MedGen C5676890, MONDO:0012163, OMIM 608971.

Allele frequency attached by ClinVar (database versions not stated): 1000 Genomes Project 0.02117; 1000 Genomes Project 30x 0.02311; gnomAD 0.04464 and 0.04632; TOPMed 0.04490; gnomAD exomes 0.05025.
gnomAD v4.1: 10,923 of 232,388 alleles (4.7%); highest among the groups gnomAD compares: Non-Finnish European, 6.7%; 341 homozygotes.

Submissions (2):

Illumina Laboratory Services, Illumina
Classification: Benign for Immunodeficiency 104. Last evaluated: 2018-01-13. Review status: criteria provided, single submitter. Criteria: ICSL Variant Classification Criteria 13 December 2019. Collection method: clinical testing. Allele origin: germline.
Comment: This variant was observed in the ICSL laboratory as part of a predisposition screen in an ostensibly healthy population. It had not been previously curated by ICSL or reported in the Human Gene Mutation Database (HGMD: prior to June 1st, 2018), and was therefore a candidate for classification through an automated scoring system. Utilizing variant allele frequency, disease prevalence and penetrance estimates, and inheritance mode, an automated score was calculated to assess if this variant is too frequent to cause the disease. Based on the score and internal cut-off values, a variant classified as benign is not then subjected to further curation. The score for this variant resulted in a classification of benign for this disease.

Breakthrough Genomics
Classification: Benign. Review status: criteria provided, single submitter. Criteria: ACMG Guidelines, 2015. Collection method: not provided. Allele origin: germline. Inheritance: Autosomal recessive inheritance. Affected: yes.

NM_002185.5(IL7R):c.*2995G>A

Gene: IL7R (interleukin 7 receptor; plus strand). Cytogenetic location: 5p13.2.
Variant type: single nucleotide variant.
Coding change: c.*2995G>A on transcript NM_002185.5 (MANE Select); 2995 bases downstream of the stop codon, G replaced by A.
Molecular consequence: 3 prime UTR variant. On other transcripts: non-coding transcript variant (1).
Genome position (GRCh38, 1-based): chr5:35,879,481, G>A. VCF-style: chr5-35879481-G-A. GRCh37 (hg19) VCF-style: chr5-35879583-G-A.
Identifiers: ClinVar variation 907326 (VCV000907326.5), dbSNP rs72742450, ClinGen allele CA12110634.